The following is an entry in ClinVar:

ClinVar aggregate classification (germline): Uncertain significance (1 of 4 stars; one submission).

Conditions:
Familial thoracic aortic aneurysm and aortic dissection (TAAD). Also called: Thoracic aortic aneurysms and dissections. Identifiers: Orphanet 91387, MedGen C4707243, MONDO:0019625.

Submission:

Color Diagnostics, LLC DBA Color Health
Classification: Uncertain significance for Familial thoracic aortic aneurysm and aortic dissection. Last evaluated: 2025-06-03. Review status: criteria provided, single submitter. Criteria: ACMG Guidelines, 2015. Collection method: clinical testing. Allele origin: germline.
Comment: This variant is located in the 5' untranslated region of the SMAD3 gene. To our knowledge, functional studies have not been reported for this variant. This variant has not been reported in individuals affected with SMAD3-related disorders in the literature. This variant has not been identified in the general population by the Genome Aggregation Database (gnomAD). The available evidence is insufficient to determine the role of this variant in disease conclusively. Therefore, this variant is classified as a Variant of Uncertain Significance.

NM_005902.4(SMAD3):c.-16_-15delinsTA

Genes: SMAD3 (SMAD family member 3; plus strand), LOC130057352 (ATAC-STARR-seq lymphoblastoid silent region 6574; plus strand). Cytogenetic location: 15q22.33.
Variant type: Indel.
Coding change: c.-16_-15delinsTA on transcript NM_005902.4 (MANE Select); 16 bases upstream of the start codon through 15 bases upstream of the start codon, CG replaced by TA.
Molecular consequence: 5 prime UTR variant.
Genome position (GRCh38, 1-based): chr15:67,066,139-67,066,140, CG replaced by TA. VCF-style: chr15-67066139-CG-TA. GRCh37 (hg19) VCF-style: chr15-67358477-CG-TA.
Other names: c.-16_-15delinsTA (NM_001407011.1, NM_001407012.1, NM_001407013.1).
Identifiers: ClinVar variation 4758700 (VCV004758700.1).